The following is an entry in ClinVar:

NM_000552.5(VWF):c.7986+5G>C

Gene: VWF (von Willebrand factor; minus strand). Cytogenetic location: 12p13.31.
Variant type: single nucleotide variant.
Coding change: c.7986+5G>C on transcript NM_000552.5 (MANE Select); 5 bases into the intron after coding-DNA position 7986, G replaced by C.
Molecular consequence: intron variant.
Genome position (GRCh38, 1-based): chr12:5,953,491, C>G on the plus strand (G>C on the coding strand, the complement: VWF is on the minus strand). VCF-style: chr12-5953491-C-G. GRCh37 (hg19) VCF-style: chr12-6062657-C-G.
Identifiers: ClinVar variation 3766621 (VCV003766621.1).
Genomic context (GRCh38, chr12:5,953,491, plus strand): 5'-AAATTTCCAAAAAAGGAAGCAAGATGGTGATATGTGAGGGAGCCCTGCATTCAGCTTGCT[C>G]CTACCTTCAGTGTCATGATCTGTCCTCCTCTTAGCTGAATGGTGCAAGCCGTAGGCAAAC-3'

ClinVar aggregate classification (germline): Uncertain significance (1 of 4 stars; one submission).

Submission:

ARUP Laboratories, Molecular Genetics and Genomics, ARUP Laboratories
Classification: Uncertain significance. Last evaluated: 2024-05-15. Review status: criteria provided, single submitter. Criteria: ARUP Molecular Germline Variant Investigation Process 2024. Collection method: clinical testing. Allele origin: germline.
Comment: The VWF c.7986+5G>C variant, to our knowledge, is not reported in the medical literature or gene specific databases. This variant is absent from the Genome Aggregation Database (v2.1.1), indicating it is not a common polymorphism. This is an intronic variant and computational analyses (Alamut Visual Plus v.1.5.1) predict that this variant may impact splicing by weakening the nearby canonical donor splice site. However, given the lack of clinical and functional data, the significance of this variant is uncertain at this time.